The following is an entry in ClinVar:

NM_001243133.2(NLRP3):c.2176A>G (p.Ser726Gly)

Gene: NLRP3 (NLR family pyrin domain containing 3; plus strand). Cytogenetic location: 1q44.
Variant type: single nucleotide variant.
Coding change: c.2176A>G on transcript NM_001243133.2 (MANE Select); coding-DNA position 2176, A replaced by G.
Protein change: p.Ser726Gly; replaces serine 726 with glycine.
Molecular consequence: missense variant. On other transcripts: intron variant (2).
Genome position (GRCh38, 1-based): chr1:247,429,610, A>G. VCF-style: chr1-247429610-A-G. GRCh37 (hg19) VCF-style: chr1-247592912-A-G.
Other names: c.2176A>G, p.Ser726Gly (NM_001079821.3, NM_001127461.3); c.2182A>G, p.Ser728Gly (NM_004895.5); c.2150+4011A>G (NM_001127462.3, NM_183395.3); short protein forms S728G, S726G.
Identifiers: ClinVar variation 234290 (VCV000234290.78), dbSNP rs147946775, ClinGen allele CA1495151.

ClinVar aggregate classification (germline): Conflicting classifications of pathogenicity. Review status: criteria provided, conflicting classifications (1 of 4 stars). 16 submissions from 14 submitters: Uncertain significance (2); Benign (1); Likely benign (10). 3 of the submissions do not count toward it. Last evaluated 2026-01-14.

Conditions:
Autoinflammatory syndrome. Identifiers: Orphanet 93665, MedGen C3890737, MONDO:0019751.
NLRP3-related disorder. Also called: NLRP3-related condition; NLRP3-Related Disorders.
Cryopyrin associated periodic syndrome (CAPS). Identifiers: Orphanet 208650, MedGen C2316212, MONDO:0016168.
Chronic infantile neurological, cutaneous and articular syndrome (CINCA). Also called: CINCA syndrome; CRYOPYRIN-ASSOCIATED PERIODIC SYNDROME 3; Prieur Griscelli syndrome; CHRONIC NEUROLOGIC CUTANEOUS AND ARTICULAR SYNDROME. Identifiers: Orphanet 1451, MedGen C0409818, MONDO:0011776, OMIM 607115.
Familial cold autoinflammatory syndrome 1 (FCAS1). Also called: Familial cold inflammatory syndrome 1; CRYOPYRIN-ASSOCIATED PERIODIC SYNDROME 1. Identifiers: Orphanet 47045, MedGen C4551895, MONDO:0007349, OMIM 120100.
Familial amyloid nephropathy with urticaria AND deafness (MWS). Also called: UDA SYNDROME; URTICARIA-DEAFNESS-AMYLOIDOSIS SYNDROME; MUCKLE-WELLS SYNDROME; CRYOPYRIN-ASSOCIATED PERIODIC SYNDROME 2; Urticaria, deafness and amyloidosis. Identifiers: Orphanet 575, MedGen C0268390, MONDO:0008633, OMIM 191900.

Allele frequency attached by ClinVar (database versions not stated): 1000 Genomes Project 30x 0.00016; 1000 Genomes Project 0.00020; gnomAD 0.00046 and 0.00049; ExAC 0.00049; gnomAD exomes 0.00052 and 0.00096; TOPMed 0.00053; ESP Exome Variant Server 0.00054.
gnomAD v4.1: 1,453 of 1,614,100 alleles (0.09%); highest among the groups gnomAD compares: Non-Finnish European, 0.11%; 2 homozygotes.

Submissions (16):

Labcorp Genetics (formerly Invitae), Labcorp
Classification: Likely benign for Cryopyrin associated periodic syndrome. Last evaluated: 2026-01-14. Review status: criteria provided, single submitter. Criteria: Invitae Variant Classification Sherloc (09022015). Collection method: clinical testing. Allele origin: germline.

CeGaT Center for Human Genetics Tuebingen
Classification: Benign. Last evaluated: 2025-11-01. Review status: criteria provided, single submitter. Criteria: CeGaT Center For Human Genetics Tuebingen Variant Classification Criteria Version 2. Collection method: clinical testing. Allele origin: germline. Affected: yes. Observed: 8 variant alleles.
Comment: NLRP3: BP4, BS1, BS2

Center for Genomic Medicine, Rigshospitalet, Copenhagen University Hospital
Classification: Uncertain significance. Last evaluated: 2025-03-04. Review status: criteria provided, single submitter. Criteria: ACMG Guidelines, 2015. Collection method: clinical testing. Allele origin: germline.

Mayo Clinic Laboratories, Mayo Clinic
Classification: Likely benign. Last evaluated: 2024-12-16. Review status: criteria provided, single submitter. Criteria: ACMG Guidelines, 2015. Collection method: clinical testing. Allele origin: germline. Observed: 3 variant alleles.
Comment: BS1, BP4_moderate

Blueprint Genetics
Classification: Likely benign. Last evaluated: 2024-11-04. Review status: criteria provided, single submitter. Criteria: ACMG Guidelines, 2015. Collection method: clinical testing. Allele origin: germline.

ARUP Laboratories, Molecular Genetics and Genomics, ARUP Laboratories
Classification: Likely benign. Last evaluated: 2023-04-18. Review status: criteria provided, single submitter. Criteria: ARUP Molecular Germline Variant Investigation Process 2024. Collection method: clinical testing. Allele origin: germline.

GeneDx
Classification: Likely benign. Last evaluated: 2021-04-21. Review status: criteria provided, single submitter. Criteria: GeneDx Variant Classification Process June 2021. Collection method: clinical testing. Allele origin: germline. Affected: yes.
Comment: This variant is associated with the following publications: (PMID: 25821352)

Genome Diagnostics Laboratory, The Hospital for Sick Children
Classification: Likely benign for Autoinflammatory syndrome. Last evaluated: 2020-01-01. Review status: criteria provided, single submitter. Criteria: ACMG Guidelines, 2015. Collection method: clinical testing. Allele origin: germline. Affected: yes.

Laboratory for Molecular Medicine, Mass General Brigham Personalized Medicine
Classification: Likely benign. Last evaluated: 2018-04-12. Review status: criteria provided, single submitter. Criteria: LMM Criteria. Collection method: clinical testing. Allele origin: germline. Observed: 1 variant allele.
Comment: The p.Ser728Gly variant is classified as likely benign because it has been ident ified in 0.08% (105/126674) of European chromosomes by the Genome Aggregation Da tabase (gnomAD; dbSNP rs147946775). It has bee n reported in one individual with PFAPA, but was also identified in 2 unaffected family members (Perko 2015). ACMG/AMP Criteria applied: BS1.

Illumina Laboratory Services, Illumina
Classification: Likely benign for Familial amyloid nephropathy with urticaria AND deafness. Last evaluated: 2017-04-28. Review status: criteria provided, single submitter. Criteria: ICSL Variant Classification Criteria 13 December 2019. Collection method: clinical testing. Allele origin: germline.
Comment: This variant was observed as part of a predisposition screen in an ostensibly healthy population. A literature search was performed for the gene, cDNA change, and amino acid change (where applicable). Publications were found based on this search. The evidence from the literature, in combination with allele frequency data from public databases where available, was sufficient to determine this variant is unlikely to cause disease. Therefore, this variant is classified as likely benign.

Illumina Laboratory Services, Illumina
Classification: Likely benign for Familial cold autoinflammatory syndrome 1. Last evaluated: 2017-04-28. Review status: criteria provided, single submitter. Criteria: ICSL Variant Classification Criteria 13 December 2019. Collection method: clinical testing. Allele origin: germline.
Comment: the same text as in the submission from Illumina Laboratory Services, Illumina above.

Illumina Laboratory Services, Illumina
Classification: Likely benign for Chronic infantile neurological, cutaneous and articular syndrome. Last evaluated: 2017-04-28. Review status: criteria provided, single submitter. Criteria: ICSL Variant Classification Criteria 13 December 2019. Collection method: clinical testing. Allele origin: germline.
Comment: the same text as in the submission from Illumina Laboratory Services, Illumina above.

Undiagnosed Diseases Network, NIH
Classification: Uncertain significance for Familial cold autoinflammatory syndrome 1. Last evaluated: 2016-05-20. Review status: criteria provided, single submitter. Criteria: ACMG Guidelines, 2015. Collection method: clinical testing. Allele origin: maternal. Inheritance: Autosomal dominant inheritance. Affected: yes. Observed: 4 variant alleles, 4 heterozygotes. Clinical features observed: Vitamin D deficiency (HP:0100512), Urticaria (HP:0001025), Tonsillitis (HP:0011110), Recurrent pharyngitis (HP:0100776), Paresthesia (HP:0003401), Myalgia (HP:0003326), Episodic fever (HP:0001954), Elevated C-reactive protein level (HP:0011227), Angioedema (HP:0100665), Abnormality of the eye (HP:0000478), Abnormality of complement system (HP:0005339), Abnormal sudomotor regulation (HP:0012333). Study: Undiagnosed Diseases Network (NIH), UDN.

PreventionGenetics, part of Exact Sciences
Classification: Likely benign for NLRP3-related condition. Last evaluated: 2022-09-23. Review status: no assertion criteria provided. Collection method: clinical testing. Allele origin: germline. Not counted in ClinVar's aggregate classification.
Comment: This variant is classified as likely benign based on ACMG/AMP sequence variant interpretation guidelines (Richards et al. 2015 PMID: 25741868, with internal and published modifications).

Clinical Genetics DNA and cytogenetics Diagnostics Lab, Erasmus MC, Erasmus Medical Center
Classification: Likely benign. Review status: no assertion criteria provided. Collection method: clinical testing. Allele origin: germline. Affected: yes. Study: VKGL Data-share Consensus. Not counted in ClinVar's aggregate classification.

Genome Diagnostics Laboratory, University Medical Center Utrecht
Classification: Likely benign. Review status: no assertion criteria provided. Collection method: clinical testing. Allele origin: germline. Affected: yes. Study: VKGL Data-share Consensus. Not counted in ClinVar's aggregate classification.

Literature cited by the submitters: PubMed 28421071 (cited by Center for Genomic Medicine, Rigshospitalet, Copenhagen University Hospital); PubMed 25821352 (cited by 3 submitters); PubMed 28744167 (cited by Center for Genomic Medicine, Rigshospitalet, Copenhagen University Hospital); PubMed 25979514 (cited by Illumina Laboratory Services, Illumina).